The following is an entry in ClinVar:

ClinVar aggregate classification (germline): Benign/Likely benign. Review status: criteria provided, multiple submitters, no conflicts (2 of 4 stars). 4 submissions from 4 submitters: Benign (2); Likely benign (2). Last evaluated 2024-10-16.

Allele frequency attached by ClinVar (database versions not stated): gnomAD exomes 0.00024 and 0.00062; ExAC 0.00087; 1000 Genomes Project 30x 0.00219; 1000 Genomes Project 0.00220; gnomAD 0.00250 and 0.00270; ESP Exome Variant Server 0.00269.
gnomAD v4.1: 746 of 1,613,788 alleles (0.046%); highest among the groups gnomAD compares: African/African-American, 0.8%; no homozygotes.

Submissions (4):

Blueprint Genetics
Classification: Likely benign. Last evaluated: 2024-10-16. Review status: criteria provided, single submitter. Criteria: ACMG Guidelines, 2015. Collection method: clinical testing. Allele origin: germline.

CeGaT Center for Human Genetics Tuebingen
Classification: Likely benign. Last evaluated: 2024-08-01. Review status: criteria provided, single submitter. Criteria: CeGaT Center For Human Genetics Tuebingen Variant Classification Criteria Version 2. Collection method: clinical testing. Allele origin: germline. Affected: yes. Observed: 2 variant alleles.
Comment: ATAD3A: BP4, BP7

Labcorp Genetics (formerly Invitae), Labcorp
Classification: Benign. Last evaluated: 2017-12-14. Review status: criteria provided, single submitter. Criteria: Invitae Variant Classification Sherloc (09022015). Collection method: clinical testing. Allele origin: germline.

Breakthrough Genomics
Classification: Benign. Review status: criteria provided, single submitter. Criteria: ACMG Guidelines, 2015. Collection method: not provided. Allele origin: germline. Inheritance: Autosomal recessive inheritance. Affected: yes.

NM_001170535.3(ATAD3A):c.1119C>T (p.Tyr373=)

Gene: ATAD3A (ATPase family AAA domain containing 3A; plus strand). Cytogenetic location: 1p36.33.
Variant type: single nucleotide variant.
Coding change: c.1119C>T on transcript NM_001170535.3 (MANE Select); coding-DNA position 1119, C replaced by T.
Protein change: p.Tyr373=; no amino-acid change (tyrosine 373 retained).
Molecular consequence: synonymous variant.
Genome position (GRCh38, 1-based): chr1:1,524,302, C>T. VCF-style: chr1-1524302-C-T. GRCh37 (hg19) VCF-style: chr1-1459682-C-T.
Other names: c.882C>T, p.Tyr294= (NM_001170536.3); c.1263C>T, p.Tyr421= (NM_018188.5).
Identifiers: ClinVar variation 784925 (VCV000784925.29), dbSNP rs141422827, ClinGen allele CA526212.